The following is an entry in ClinVar:

NM_006531.5(IFT88):c.865T>G (p.Ser289Ala)

Gene: IFT88 (intraflagellar transport 88; plus strand). Cytogenetic location: 13q12.11.
Variant type: single nucleotide variant.
Coding change: c.865T>G on transcript NM_006531.5 (MANE Select); coding-DNA position 865, T replaced by G.
Protein change: p.Ser289Ala; replaces serine 289 with alanine.
Molecular consequence: missense variant. On other transcripts: intron variant (7), non-coding transcript variant (5).
Genome position (GRCh38, 1-based): chr13:20,601,757, T>G. VCF-style: chr13-20601757-T-G. GRCh37 (hg19) VCF-style: chr13-21175896-T-G.
Other names: c.883+9T>G (NM_001353569.2, NM_001353570.2, NM_001353576.2 and 1 more transcripts); c.856+9T>G (NM_001353571.2, NM_001353578.2); c.799+9T>G (NM_001353574.2); c.808T>G, p.Ser270Ala (NM_001353573.2, NM_001353575.2, NM_001318491.2); c.232T>G, p.Ser78Ala (NM_001353579.2); c.892T>G, p.Ser298Ala (NM_175605.5, NM_001353567.2, NM_001318493.2 and 2 more transcripts); c.865T>G, p.Ser289Ala (NM_001353568.2, NM_001353572.2); short protein forms S289A, S78A, S270A, S298A.
Identifiers: ClinVar variation 2778292 (VCV002778292.3), dbSNP rs2548162841, ClinGen allele CA387474516.
Genomic context (GRCh38, chr13:20,601,757, plus strand): 5'-TCTTTTAGGATTAAAATAATGCAGAATATTGGAGTTACATTTATTCAGGCTGGTCAGTAT[T>G]CAGATGCTATTAATTCATATGAGCACATAATGAGCATGGCACCAAATCTGAAGGCAGGCT-3'
Protein context (NP_006522.2, residues 279-299): GVTFIQAGQY[Ser289Ala]DAINSYEHIM

ClinVar aggregate classification (germline): Uncertain significance (1 of 4 stars; one submission).

Allele frequency attached by ClinVar (database versions not stated): gnomAD exomes 0.00001.

Submission:

Labcorp Genetics (formerly Invitae), Labcorp
Classification: Uncertain significance. Last evaluated: 2023-08-25. Review status: criteria provided, single submitter. Criteria: Invitae Variant Classification Sherloc (09022015). Collection method: clinical testing. Allele origin: germline.
Comment: In summary, the available evidence is currently insufficient to determine the role of this variant in disease. Therefore, it has been classified as a Variant of Uncertain Significance. An algorithm developed to predict the effect of missense changes on protein structure and function (PolyPhen-2) suggests that this variant is likely to be tolerated. This variant has not been reported in the literature in individuals affected with IFT88-related conditions. This variant is not present in population databases (gnomAD no frequency). This sequence change replaces serine, which is neutral and polar, with alanine, which is neutral and non-polar, at codon 298 of the IFT88 protein (p.Ser298Ala).